The following is an entry in ClinVar:

NM_006231.4(POLE):c.2038C>G (p.Arg680Gly)

Gene: POLE (DNA polymerase epsilon, catalytic subunit; minus strand). Cytogenetic location: 12q24.33.
Variant type: single nucleotide variant.
Coding change: c.2038C>G on transcript NM_006231.4 (MANE Select); coding-DNA position 2038, C replaced by G.
Protein change: p.Arg680Gly; replaces arginine 680 with glycine.
Molecular consequence: missense variant.
Genome position (GRCh38, 1-based): chr12:132,668,491, G>C on the plus strand (C>G on the coding strand, the complement: POLE is on the minus strand). VCF-style: chr12-132668491-G-C. GRCh37 (hg19) VCF-style: chr12-133245077-G-C.
Other names: short protein forms R680G.
Identifiers: ClinVar variation 4742090 (VCV004742090.1).
Genomic context (GRCh38, chr12:132,668,491, plus strand): 5'-GGAACAAGGGGGGGAACTTCTCTGACTCCAGCTGGTGCTGGATCCGATGGTATTCGCTGC[G>C]ACTGGCTGGCACTGGGAAGGAGGCAATGGGGGCAAGTTCAAAAGGAGGCACAGACACACC-3'
Protein context (NP_006222.2, residues 670-690): QWRGEFMPAS[Arg680Gly]SEYHRIQHQL

ClinVar aggregate classification (germline): Uncertain significance (1 of 4 stars; one submission).

Submission:

Labcorp Genetics (formerly Invitae), Labcorp
Classification: Uncertain significance. Last evaluated: 2025-02-12. Review status: criteria provided, single submitter. Criteria: Invitae Variant Classification Sherloc (09022015). Collection method: clinical testing. Allele origin: germline.
Comment: This sequence change replaces arginine, which is basic and polar, with glycine, which is neutral and non-polar, at codon 680 of the POLE protein (p.Arg680Gly). This variant is not present in population databases (gnomAD no frequency). This variant has not been reported in the literature in individuals affected with POLE-related conditions. Invitae Evidence Modeling of protein sequence and biophysical properties (such as structural, functional, and spatial information, amino acid conservation, physicochemical variation, residue mobility, and thermodynamic stability) indicates that this missense variant is expected to disrupt POLE protein function with a positive predictive value of 80%. In summary, the available evidence is currently insufficient to determine the role of this variant in disease. Therefore, it has been classified as a Variant of Uncertain Significance.